The following is an entry in ClinVar:

NM_017838.4(NHP2):c.160+10A>T

Gene: NHP2 (NHP2 ribonucleoprotein; minus strand). Cytogenetic location: 5q35.3.
Variant type: single nucleotide variant.
Coding change: c.160+10A>T on transcript NM_017838.4 (MANE Select); 10 bases into the intron after coding-DNA position 160, A replaced by T.
Molecular consequence: intron variant.
Genome position (GRCh38, 1-based): chr5:178,153,648, T>A on the plus strand (A>T on the coding strand, the complement: NHP2 is on the minus strand). VCF-style: chr5-178153648-T-A. GRCh37 (hg19) VCF-style: chr5-177580649-T-A.
Other names: c.160+10A>T (NM_001034833.2).
Identifiers: ClinVar variation 353027 (VCV000353027.21), dbSNP rs376220034, ClinGen allele CA3589267.
Genomic context (GRCh38, chr5:178,153,648, plus strand): 5'-GCCTCGCTCAGCCACCCGCGCACCCATCCCACCCGCGCACCCATCCCGGCCACGCCGCCG[T>A]CCGCCTCACCTTTCTTGATGCATTTGTAGAGCTTCCGCGTGAGGCGGCGAGAAGCCAGGG-3'

ClinVar aggregate classification (germline): Conflicting classifications of pathogenicity. Review status: criteria provided, conflicting classifications (1 of 4 stars). 7 submissions from 7 submitters: Uncertain significance (1); Likely benign (3). 3 of the submissions do not count toward it. Last evaluated 2026-02-03.

Conditions:
Dyskeratosis congenita. Identifiers: Orphanet 1775, MedGen C0265965, MONDO:0015780.
Dyskeratosis congenita, autosomal recessive 2 (DKCB2). Identifiers: Orphanet 1775, MedGen C3151441, MONDO:0013519, OMIM 613987.
NHP2-related disorder. Also called: NHP2-related condition.

Allele frequency attached by ClinVar (database versions not stated): ESP Exome Variant Server 0.00046; TOPMed 0.00055.
gnomAD v4.1: 1,834 of 1,613,666 alleles (0.11%); highest among the groups gnomAD compares: Non-Finnish European, 0.15%; 5 homozygotes.

Submissions (7):

Labcorp Genetics (formerly Invitae), Labcorp
Classification: Likely benign for Dyskeratosis congenita. Last evaluated: 2026-02-03. Review status: criteria provided, single submitter. Criteria: Invitae Variant Classification Sherloc (09022015). Collection method: clinical testing. Allele origin: germline.

Blueprint Genetics
Classification: Likely benign. Last evaluated: 2024-11-19. Review status: criteria provided, single submitter. Criteria: ACMG Guidelines, 2015. Collection method: clinical testing. Allele origin: germline.

ARUP Laboratories, Molecular Genetics and Genomics, ARUP Laboratories
Classification: Likely benign for Dyskeratosis congenita, autosomal recessive 2. Last evaluated: 2024-05-15. Review status: criteria provided, single submitter. Criteria: ARUP Molecular Germline Variant Investigation Process 2024. Collection method: clinical testing. Allele origin: germline.

Genetic Services Laboratory, University of Chicago
Classification: Uncertain significance. Last evaluated: 2017-08-08. Review status: criteria provided, single submitter. Criteria: ACMG Guidelines, 2015. Collection method: clinical testing. Allele origin: germline. Affected: no.

PreventionGenetics, part of Exact Sciences
Classification: Likely benign for NHP2-related condition. Last evaluated: 2023-08-20. Review status: no assertion criteria provided. Collection method: clinical testing. Allele origin: germline. Not counted in ClinVar's aggregate classification.
Comment: This variant is classified as likely benign based on ACMG/AMP sequence variant interpretation guidelines (Richards et al. 2015 PMID: 25741868, with internal and published modifications).

Clinical Genetics DNA and cytogenetics Diagnostics Lab, Erasmus MC, Erasmus Medical Center
Classification: Likely benign. Review status: no assertion criteria provided. Collection method: clinical testing. Allele origin: germline. Affected: yes. Study: VKGL Data-share Consensus. Not counted in ClinVar's aggregate classification.

Genome Diagnostics Laboratory, University Medical Center Utrecht
Classification: Likely benign. Review status: no assertion criteria provided. Collection method: clinical testing. Allele origin: germline. Affected: yes. Study: VKGL Data-share Consensus. Not counted in ClinVar's aggregate classification.